The following is an entry in ClinVar:

ClinVar aggregate classification (germline): Benign (1 of 4 stars; one submission).

Conditions:
Hypophosphatemic nephrolithiasis/osteoporosis 1. Identifiers: Orphanet 244305, MedGen C2676786, MONDO:0012850, OMIM 612286.

Allele frequency attached by ClinVar (database versions not stated): gnomAD exomes 0.00029; gnomAD 0.00474 and 0.00504; TOPMed 0.00522; 1000 Genomes Project 0.00619; 1000 Genomes Project 30x 0.00687.
gnomAD v4.1: 723 of 173,628 alleles (0.42%); highest among the groups gnomAD compares: African/African-American, 1.6%; 6 homozygotes.

Submission:

Illumina Laboratory Services, Illumina
Classification: Benign for Hypophosphatemic nephrolithiasis/osteoporosis 1. Last evaluated: 2018-01-13. Review status: criteria provided, single submitter. Criteria: ICSL Variant Classification Criteria 13 December 2019. Collection method: clinical testing. Allele origin: germline.
Comment: This variant was observed in the ICSL laboratory as part of a predisposition screen in an ostensibly healthy population. It had not been previously curated by ICSL or reported in the Human Gene Mutation Database (HGMD: prior to June 1st, 2018), and was therefore a candidate for classification through an automated scoring system. Utilizing variant allele frequency, disease prevalence and penetrance estimates, and inheritance mode, an automated score was calculated to assess if this variant is too frequent to cause the disease. Based on the score and internal cut-off values, a variant classified as benign is not then subjected to further curation. The score for this variant resulted in a classification of benign for this disease.

NM_003052.5(SLC34A1):c.*485G>A

Gene: SLC34A1 (solute carrier family 34 member 1; plus strand). Cytogenetic location: 5q35.3.
Variant type: single nucleotide variant.
Coding change: c.*485G>A on transcript NM_003052.5 (MANE Select); 485 bases downstream of the stop codon, G replaced by A.
Molecular consequence: 3 prime UTR variant.
Genome position (GRCh38, 1-based): chr5:177,398,771, G>A. VCF-style: chr5-177398771-G-A. GRCh37 (hg19) VCF-style: chr5-176825772-G-A.
Identifiers: ClinVar variation 352985 (VCV000352985.6), dbSNP rs143160780, ClinGen allele CA10624168.